The following is an entry in ClinVar:

ClinVar aggregate classification (germline): Pathogenic/Likely pathogenic. Review status: criteria provided, multiple submitters, no conflicts (2 of 4 stars). 3 submissions from 3 submitters: Pathogenic (2); Likely pathogenic (1). Last evaluated 2025-09-27.

Conditions:
Hereditary cancer-predisposing syndrome. Also called: Tumor predisposition; Hereditary neoplastic syndrome; Neoplastic Syndromes, Hereditary; Hereditary Cancer Syndrome. Identifiers: Orphanet 140162, MedGen C0027672, MeSH D009386, MONDO:0015356.
Birt-Hogg-Dube syndrome. Also called: Birt Hogg Dubé syndrome. Identifiers: Orphanet 122, MedGen C0346010, MONDO:0800444.
Familial spontaneous pneumothorax (PSP). Identifiers: Orphanet 2903, MedGen C1868193, MONDO:0008259, OMIM 173600.
Colorectal cancer. Also called: Colorectal cancer, somatic; Malignant Colorectal Neoplasm. Identifiers: MedGen C0346629, MONDO:0005575, OMIM 114500.
Nonpapillary renal cell carcinoma. Identifiers: Orphanet 422526, MedGen CN074294, MONDO:0007763, OMIM 144700.
Birt-Hogg-Dube syndrome 1 (BHD1). Also called: FIBROFOLLICULOMAS WITH TRICHODISCOMAS AND ACROCHORDONS. Identifiers: Orphanet 122, MedGen CN375946, MONDO:0800445, OMIM 135150.

Submissions (3):

Labcorp Genetics (formerly Invitae), Labcorp
Classification: Pathogenic for Birt-Hogg-Dube syndrome. Last evaluated: 2025-09-27. Review status: criteria provided, single submitter. Criteria: Invitae Variant Classification Sherloc (09022015). Collection method: clinical testing. Allele origin: germline.
Comment: This sequence change creates a premature translational stop signal (p.Gln324*) in the FLCN gene. It is expected to result in an absent or disrupted protein product. Loss-of-function variants in FLCN are known to be pathogenic (PMID: 15852235). This variant is not present in population databases (gnomAD no frequency). This variant has not been reported in the literature in individuals affected with FLCN-related conditions. ClinVar contains an entry for this variant (Variation ID: 1381774). For these reasons, this variant has been classified as Pathogenic.

Fulgent Genetics
Classification: Likely pathogenic for Colorectal cancer; Birt-Hogg-Dube syndrome 1; Nonpapillary renal cell carcinoma; Familial spontaneous pneumothorax. Last evaluated: 2024-06-03. Review status: criteria provided, single submitter. Criteria: ACMG Guidelines, 2015. Collection method: clinical testing. Allele origin: germline.

Ambry Genetics
Classification: Pathogenic for Hereditary cancer-predisposing syndrome. Last evaluated: 2022-05-03. Review status: criteria provided, single submitter. Criteria: Ambry Variant Classification Scheme 2023. Collection method: clinical testing. Allele origin: germline.
Comment: The p.Q324* pathogenic mutation (also known as c.970C>T), located in coding exon 6 of the FLCN gene, results from a C to T substitution at nucleotide position 970. This changes the amino acid from a glutamine to a stop codon within coding exon 6. This variant is considered to be rare based on population cohorts in the Genome Aggregation Database (gnomAD). This alteration is expected to result in loss of function by premature protein truncation or nonsense-mediated mRNA decay. As such, this alteration is interpreted as a disease-causing mutation.

Literature cited by the submitters: PubMed 15852235 (cited by Labcorp Genetics (formerly Invitae), Labcorp).

NM_144997.7(FLCN):c.970C>T (p.Gln324Ter)

Gene: FLCN (folliculin; minus strand). Cytogenetic location: 17p11.2.
Variant type: single nucleotide variant.
Coding change: c.970C>T on transcript NM_144997.7 (MANE Select); coding-DNA position 970, C replaced by T.
Protein change: p.Gln324Ter; replaces glutamine 324 with a stop codon.
Molecular consequence: nonsense.
Genome position (GRCh38, 1-based): chr17:17,219,111, G>A on the plus strand (C>T on the coding strand, the complement: FLCN is on the minus strand). VCF-style: chr17-17219111-G-A. GRCh37 (hg19) VCF-style: chr17-17122425-G-A.
Other names: c.1024C>T, p.Gln342Ter (NM_001353229.2); c.970C>T, p.Gln324Ter (NM_001353230.2, NM_001353231.2); short protein forms Q342*, Q324*.
Identifiers: ClinVar variation 1381774 (VCV001381774.9), dbSNP rs2144896021, ClinGen allele CA398532899.